The following is an entry in ClinVar:

ClinVar aggregate classification (germline): Uncertain significance (1 of 4 stars; one submission).

Conditions:
Muscular dystrophy-dystroglycanopathy (congenital with brain and eye anomalies), type A, 7. Also called: WALKER-WARBURG SYNDROME OR MUSCLE-EYE-BRAIN DISEASE, ISPD-RELATED; Congenital muscular dystrophy-dystroglycanopathy with brain and eye anomalies, type A7. Identifiers: Orphanet 899, MedGen C3553330, MONDO:0013835, OMIM 614643.
Autosomal recessive limb-girdle muscular dystrophy type 2U. Also called: MUSCULAR DYSTROPHY, LIMB-GIRDLE, TYPE 2U; Muscular dystrophy-dystroglycanopathy (limb-girdle), type c, 7. Identifiers: Orphanet 352479, MedGen C5190987, MONDO:0014474, OMIM 616052.

Allele frequency attached by ClinVar (database versions not stated): gnomAD exomes below 0.00001.
gnomAD v4.1: 3 of 1,574,402 alleles (0.00019%); highest among the groups gnomAD compares: Non-Finnish European, 0.00026%; no homozygotes.

Submission:

Labcorp Genetics (formerly Invitae), Labcorp
Classification: Uncertain significance for Muscular dystrophy-dystroglycanopathy (congenital with brain and eye anomalies), type A, 7; Autosomal recessive limb-girdle muscular dystrophy type 2U. Last evaluated: 2022-03-20. Review status: criteria provided, single submitter. Criteria: Invitae Variant Classification Sherloc (09022015). Collection method: clinical testing. Allele origin: germline.
Comment: In summary, the available evidence is currently insufficient to determine the role of this variant in disease. Therefore, it has been classified as a Variant of Uncertain Significance. Algorithms developed to predict the effect of missense changes on protein structure and function output the following: SIFT: "Tolerated"; PolyPhen-2: "Benign"; Align-GVGD: "Class C0". The valine amino acid residue is found in multiple mammalian species, which suggests that this missense change does not adversely affect protein function. This variant has not been reported in the literature in individuals affected with ISPD-related conditions. This variant is not present in population databases (gnomAD no frequency). This sequence change replaces methionine, which is neutral and non-polar, with valine, which is neutral and non-polar, at codon 289 of the ISPD protein (p.Met289Val).

NM_001101426.4(CRPPA):c.865A>G (p.Met289Val)

Gene: CRPPA (CDP-L-ribitol pyrophosphorylase A; minus strand). Cytogenetic location: 7p21.2.
Variant type: single nucleotide variant.
Coding change: c.865A>G on transcript NM_001101426.4 (MANE Select); coding-DNA position 865, A replaced by G.
Protein change: p.Met289Val; replaces methionine 289 with valine.
Molecular consequence: missense variant. On other transcripts: non-coding transcript variant (1).
Genome position (GRCh38, 1-based): chr7:16,278,197, T>C on the plus strand (A>G on the coding strand, the complement: CRPPA is on the minus strand). VCF-style: chr7-16278197-T-C. GRCh37 (hg19) VCF-style: chr7-16317822-T-C.
Other names: c.715A>G, p.Met239Val (NM_001101417.4); c.760A>G, p.Met254Val (NM_001368197.1); short protein forms M254V, M289V, M239V.
Identifiers: ClinVar variation 2058955 (VCV002058955.2), dbSNP rs1359488738, ClinGen allele CA367001360.